The following is an entry in ClinVar:

NM_001040108.2(MLH3):c.3008G>T (p.Gly1003Val)

Gene: MLH3 (mutL homolog 3; minus strand). Cytogenetic location: 14q24.3.
Variant type: single nucleotide variant.
Coding change: c.3008G>T on transcript NM_001040108.2 (MANE Select); coding-DNA position 3008, G replaced by T.
Protein change: p.Gly1003Val; replaces glycine 1003 with valine.
Molecular consequence: missense variant.
Genome position (GRCh38, 1-based): chr14:75,046,648, C>A on the plus strand (G>T on the coding strand, the complement: MLH3 is on the minus strand). VCF-style: chr14-75046648-C-A. GRCh37 (hg19) VCF-style: chr14-75513351-C-A.
Other names: c.3008G>T, p.Gly1003Val (NM_014381.3); short protein forms G1003V.
Identifiers: ClinVar variation 4108683 (VCV004108683.1).
Genomic context (GRCh38, chr14:75,046,648, plus strand): 5'-CTCTGAAAACAAATTCCATTTTGGTCACCTGTGGCATCTTCTACCGGATTCATTAACATT[C>A]CACTGGGAGAGTCAAGACTTCCTATCTGTTGTTCTGAGGCTCTGATAAGAACATCTGAAT-3'
Protein context (NP_001035197.1, residues 993-1013): QQIGSLDSPS[Gly1003Val]MLMNPVEDAT

ClinVar aggregate classification (germline): Uncertain significance (1 of 4 stars; one submission).

Submission:

Ambry Genetics
Classification: Uncertain significance. Last evaluated: 2025-09-02. Review status: criteria provided, single submitter. Criteria: Ambry Variant Classification Scheme 2023. Collection method: clinical testing. Allele origin: germline.
Comment: The p.G1003V variant (also known as c.3008G>T), located in coding exon 1 of the MLH3 gene, results from a G to T substitution at nucleotide position 3008. The glycine at codon 1003 is replaced by valine, an amino acid with dissimilar properties. This amino acid position is conserved. In addition, this alteration is predicted to be tolerated by in silico analysis. Based on the available evidence, the clinical significance of this variant remains unclear.